The following is an entry in ClinVar:

NM_020800.3(IFT80):c.517A>C (p.Lys173Gln)

Genes: TRIM59-IFT80 (TRIM59-IFT80 readthrough (NMD candidate); minus strand), IFT80 (intraflagellar transport 80; minus strand). Cytogenetic location: 3q25.33.
Variant type: single nucleotide variant.
Coding change: c.517A>C on transcript NM_020800.3 (MANE Select); coding-DNA position 517, A replaced by C.
Protein change: p.Lys173Gln; replaces lysine 173 with glutamine.
Molecular consequence: missense variant. On other transcripts: non-coding transcript variant (3).
Genome position (GRCh38, 1-based): chr3:160,366,075, T>G on the plus strand (A>C on the coding strand, the complement: IFT80 is on the minus strand). VCF-style: chr3-160366075-T-G. GRCh37 (hg19) VCF-style: chr3-160083863-T-G.
Other names: c.106A>C, p.Lys36Gln (NM_001190241.2, NM_001190242.2); short protein forms K173Q, K36Q.
Identifiers: ClinVar variation 1435691 (VCV001435691.8), dbSNP rs1327849611, ClinGen allele CA355193261.

ClinVar aggregate classification (germline): Uncertain significance (1 of 4 stars; one submission).

Conditions:
Jeune thoracic dystrophy. Also called: Short-rib thoracic dysplasia; Jeune syndrome; Infantile thoracic dystrophy; Thoracic pelvic phalangeal dystrophy; Jeune's syndrome; Chondroectodermal dysplasia-like syndrome. Identifiers: Orphanet 474, MedGen C0265275, MONDO:0018770.

Allele frequency attached by ClinVar (database versions not stated): gnomAD exomes 0.00001.
gnomAD v4.1: 15 of 1,612,822 alleles (0.00093%); highest among the groups gnomAD compares: Non-Finnish European, 0.0013%; no homozygotes.

Submission:

Labcorp Genetics (formerly Invitae), Labcorp
Classification: Uncertain significance for Jeune thoracic dystrophy. Last evaluated: 2024-10-15. Review status: criteria provided, single submitter. Criteria: Invitae Variant Classification Sherloc (09022015). Collection method: clinical testing. Allele origin: germline.
Comment: This sequence change replaces lysine, which is basic and polar, with glutamine, which is neutral and polar, at codon 173 of the IFT80 protein (p.Lys173Gln). This variant is present in population databases (no rsID available, gnomAD 0.003%). This variant has not been reported in the literature in individuals affected with IFT80-related conditions. ClinVar contains an entry for this variant (Variation ID: 1435691). Invitae Evidence Modeling of protein sequence and biophysical properties (such as structural, functional, and spatial information, amino acid conservation, physicochemical variation, residue mobility, and thermodynamic stability) has been performed for this missense variant. However, the output from this modeling did not meet the statistical confidence thresholds required to predict the impact of this variant on IFT80 protein function. In summary, the available evidence is currently insufficient to determine the role of this variant in disease. Therefore, it has been classified as a Variant of Uncertain Significance.